The following is an entry in ClinVar:

ClinVar aggregate classification (germline): Uncertain significance. Review status: criteria provided, multiple submitters, no conflicts (2 of 4 stars). 3 submissions from 3 submitters: Uncertain significance (2). 1 of the submissions does not count toward it. Last evaluated 2022-08-27.

Conditions:
Breast-ovarian cancer, familial, susceptibility to, 3. Also called: RAD51C-Related Breast/Ovarian Cancer. Identifiers: Orphanet 145, MedGen C3150659, MONDO:0013253, OMIM 613399.
Fanconi anemia complementation group O. Also called: RAD51C-Related Fanconi Anemia. Identifiers: Orphanet 84, MedGen C3150653, MONDO:0013248, OMIM 613390.
Hereditary cancer-predisposing syndrome. Also called: Neoplastic Syndromes, Hereditary; Hereditary neoplastic syndrome; Tumor predisposition; Hereditary Cancer Syndrome. Identifiers: Orphanet 140162, MedGen C0027672, MeSH D009386, MONDO:0015356.

Submissions (3):

Labcorp Genetics (formerly Invitae), Labcorp
Classification: Uncertain significance for Fanconi anemia complementation group O. Last evaluated: 2022-08-27. Review status: criteria provided, single submitter. Criteria: Invitae Variant Classification Sherloc (09022015). Collection method: clinical testing. Allele origin: germline.
Comment: This variant is not present in population databases (gnomAD no frequency). This sequence change replaces leucine, which is neutral and non-polar, with phenylalanine, which is neutral and non-polar, at codon 91 of the RAD51C protein (p.Leu91Phe). This missense change has been observed in individual(s) with RAD51C-related conditions (PMID: 26261251). ClinVar contains an entry for this variant (Variation ID: 548726). Algorithms developed to predict the effect of missense changes on protein structure and function are either unavailable or do not agree on the potential impact of this missense change (SIFT: "Tolerated"; PolyPhen-2: "Probably Damaging"; Align-GVGD: "Class C0"). In summary, the available evidence is currently insufficient to determine the role of this variant in disease. Therefore, it has been classified as a Variant of Uncertain Significance.

Ambry Genetics
Classification: Uncertain significance for Hereditary cancer-predisposing syndrome. Last evaluated: 2021-04-07. Review status: criteria provided, single submitter. Criteria: Ambry Variant Classification Scheme 2023. Collection method: clinical testing. Allele origin: germline.
Comment: The p.L91F variant (also known as c.271C>T), located in coding exon 2 of the RAD51C gene, results from a C to T substitution at nucleotide position 271. The leucine at codon 91 is replaced by phenylalanine, an amino acid with highly similar properties. This variant was identified in 1/3447 cases of invasive epithelial ovarian cancer and in 0/4812 unaffected controls (Song H et al. J Clin Oncol, 2015 Sep;33:2901-7). This amino acid position is highly conserved in available vertebrate species. In addition, this alteration is predicted to be tolerated by in silico analysis. Since supporting evidence is limited at this time, the clinical significance of this alteration remains unclear.

Counsyl
Classification: Uncertain significance for Fanconi anemia complementation group O; Breast-ovarian cancer, familial, susceptibility to, 3. Last evaluated: 2017-02-10. Review status: no assertion criteria provided. Collection method: clinical testing. Allele origin: unknown. Not counted in ClinVar's aggregate classification.

Literature cited by the submitters: PubMed 26261251 (cited by 3 submitters).

NM_058216.3(RAD51C):c.271C>T (p.Leu91Phe)

Gene: RAD51C (RAD51 paralog C; plus strand). Cytogenetic location: 17q22.
Variant type: single nucleotide variant.
Coding change: c.271C>T on transcript NM_058216.3 (MANE Select); coding-DNA position 271, C replaced by T.
Protein change: p.Leu91Phe; replaces leucine 91 with phenylalanine.
Molecular consequence: missense variant. On other transcripts: non-coding transcript variant (2).
Genome position (GRCh38, 1-based): chr17:58,695,056, C>T. VCF-style: chr17-58695056-C-T. GRCh37 (hg19) VCF-style: chr17-56772417-C-T.
Other names: c.271C>T, p.Leu91Phe (NM_002876.4); short protein forms L91F.
Identifiers: ClinVar variation 548726 (VCV000548726.9), dbSNP rs1555593653, ClinGen allele CA400340660.